The following is an entry in ClinVar:

ClinVar aggregate classification (germline): Uncertain significance. Review status: criteria provided, multiple submitters, no conflicts (2 of 4 stars). 2 submissions from 2 submitters: Uncertain significance (2). Last evaluated 2025-06-18.

Allele frequency attached by ClinVar (database versions not stated): gnomAD 0.00001; TOPMed 0.00006.

Submissions (2):

Ambry Genetics
Classification: Uncertain significance. Last evaluated: 2025-06-18. Review status: criteria provided, single submitter. Criteria: Ambry Variant Classification Scheme 2023. Collection method: clinical testing. Allele origin: germline.

Labcorp Genetics (formerly Invitae), Labcorp
Classification: Uncertain significance. Last evaluated: 2021-06-15. Review status: criteria provided, single submitter. Criteria: Invitae Variant Classification Sherloc (09022015). Collection method: clinical testing. Allele origin: germline.
Comment: In summary, the available evidence is currently insufficient to determine the role of this variant in disease. Therefore, it has been classified as a Variant of Uncertain Significance. Algorithms developed to predict the effect of missense changes on protein structure and function are either unavailable or do not agree on the potential impact of this missense change (SIFT: "Deleterious"; PolyPhen-2: "Benign"; Align-GVGD: "Class C0"). This variant has not been reported in the literature in individuals with FZD2-related conditions. This variant is not present in population databases (ExAC no frequency). This sequence change replaces proline with leucine at codon 169 of the FZD2 protein (p.Pro169Leu). The proline residue is highly conserved and there is a moderate physicochemical difference between proline and leucine.

NM_001466.4(FZD2):c.506C>T (p.Pro169Leu)

Gene: FZD2 (frizzled class receptor 2; plus strand). Cytogenetic location: 17q21.31.
Variant type: single nucleotide variant.
Coding change: c.506C>T on transcript NM_001466.4 (MANE Select); coding-DNA position 506, C replaced by T.
Protein change: p.Pro169Leu; replaces proline 169 with leucine.
Molecular consequence: missense variant.
Genome position (GRCh38, 1-based): chr17:44,558,194, C>T. VCF-style: chr17-44558194-C-T. GRCh37 (hg19) VCF-style: chr17-42635562-C-T.
Other names: c.506C>T (NM_001466.3); short protein forms P169L.
Identifiers: ClinVar variation 1481944 (VCV001481944.10), dbSNP rs1253611469, ClinGen allele CA399792767.
Genomic context (GRCh38, chr17:44,558,194, plus strand): 5'-TCTGCGTCGGCCAGAACCACTCCGAGGACGGAGCTCCCGCGCTACTCACCACCGCGCCGC[C>T]GCCGGGACTGCAGCCGGGTGCCGGGGGCACCCCGGGTGGCCCGGGCGGCGGCGGCGCTCC-3'
Protein context (NP_001457.1, residues 159-179): GAPALLTTAP[Pro169Leu]PGLQPGAGGT